The following is an entry in ClinVar:

ClinVar aggregate classification (germline): Benign/Likely benign. Review status: criteria provided, multiple submitters, no conflicts (2 of 4 stars). 4 submissions from 4 submitters: Benign (2); Likely benign (2). Last evaluated 2026-02-02.

Conditions:
Retinal cone dystrophy 4 (RCD4). Identifiers: Orphanet 1872, MedGen C1864849, MONDO:0012507, OMIM 610478.

Allele frequency attached by ClinVar (database versions not stated): ESP Exome Variant Server 0.00074; gnomAD 0.00315; TOPMed 0.00757; ExAC 0.01155; 1000 Genomes Project 0.01338; 1000 Genomes Project 30x 0.01390.
gnomAD v4.1: 5,941 of 1,611,664 alleles (0.37%); highest among the groups gnomAD compares: Admixed American, 9.3%; 337 homozygotes.

Submissions (4):

Labcorp Genetics (formerly Invitae), Labcorp
Classification: Benign. Last evaluated: 2026-02-02. Review status: criteria provided, single submitter. Criteria: Invitae Variant Classification Sherloc (09022015). Collection method: clinical testing. Allele origin: germline.

Illumina Laboratory Services, Illumina
Classification: Likely benign for Retinal cone dystrophy 4. Last evaluated: 2017-04-27. Review status: criteria provided, single submitter. Criteria: ICSL Variant Classification Criteria 13 December 2019. Collection method: clinical testing. Allele origin: germline.
Comment: This variant was observed as part of a predisposition screen in an ostensibly healthy population. A literature search was performed for the gene, cDNA change, and amino acid change (where applicable). No publications were found based on this search. Allele frequency data from public databases allowed determination this variant is unlikely to cause disease. Therefore, this variant is classified as likely benign.

Eurofins Ntd Llc (ga)
Classification: Benign. Last evaluated: 2013-08-05. Review status: criteria provided, single submitter. Criteria: EGL Classification Definitions 2015. Collection method: clinical testing. Allele origin: germline. Observed: 2 variant alleles, 2 heterozygotes.

Breakthrough Genomics
Classification: Likely benign. Review status: criteria provided, single submitter. Criteria: ACMG Guidelines, 2015. Collection method: not provided. Allele origin: germline. Inheritance: Autosomal recessive inheritance. Affected: yes.

NM_172364.5(CACNA2D4):c.3310-8G>A

Gene: CACNA2D4 (calcium voltage-gated channel auxiliary subunit alpha2delta 4; minus strand). Cytogenetic location: 12p13.33.
Variant type: single nucleotide variant.
Coding change: c.3310-8G>A on transcript NM_172364.5 (MANE Select); 8 bases into the intron before coding-DNA position 3310, G replaced by A.
Molecular consequence: intron variant.
Genome position (GRCh38, 1-based): chr12:1,793,767, C>T on the plus strand (G>A on the coding strand, the complement: CACNA2D4 is on the minus strand). VCF-style: chr12-1793767-C-T. GRCh37 (hg19) VCF-style: chr12-1902933-C-T.
Identifiers: ClinVar variation 96536 (VCV000096536.18), dbSNP rs186998620, ClinGen allele CA149595.